The following is an entry in ClinVar:

NM_022748.12(TNS3):c.3887C>T (p.Thr1296Met)

Gene: TNS3 (tensin 3; minus strand). Cytogenetic location: 7p12.3.
Variant type: single nucleotide variant.
Coding change: c.3887C>T on transcript NM_022748.12 (MANE Select); coding-DNA position 3887, C replaced by T.
Protein change: p.Thr1296Met; replaces threonine 1296 with methionine.
Molecular consequence: missense variant.
Genome position (GRCh38, 1-based): chr7:47,291,996, G>A on the plus strand (C>T on the coding strand, the complement: TNS3 is on the minus strand). VCF-style: chr7-47291996-G-A. GRCh37 (hg19) VCF-style: chr7-47331594-G-A.
Other names: short protein forms T1296M.
Identifiers: ClinVar variation 770935 (VCV000770935.11), dbSNP rs41280696, ClinGen allele CA4250138.
Genomic context (GRCh38, chr7:47,291,996, plus strand): 5'-TGGAGCTGCATTTACTGACCTGCCCCCTGCTTCAACAGCTCAGCTGCTGAATTGGCTGCC[G>A]TCTGGGGAGAACTTTCTGCTATTTCCTCCAATGGATCTGTAGGAAGGGGCAAGAAAATAC-3'
Protein context (NP_073585.8, residues 1286-1306): LEEIAESSPQ[Thr1296Met]AANSAAELLK

ClinVar aggregate classification (germline): Benign/Likely benign. Review status: criteria provided, multiple submitters, no conflicts (2 of 4 stars). 2 submissions from 2 submitters: Benign (1); Likely benign (1). Last evaluated 2026-05-01.

Allele frequency attached by ClinVar (database versions not stated): 1000 Genomes Project 0.00180; 1000 Genomes Project 30x 0.00219; TOPMed 0.00470; gnomAD 0.00514 and 0.00533; ESP Exome Variant Server 0.00628.
gnomAD v4.1: 12,152 of 1,614,146 alleles (0.75%); highest among the groups gnomAD compares: Non-Finnish European, 0.92%; 61 homozygotes.

Submissions (2):

CeGaT Center for Human Genetics Tuebingen
Classification: Likely benign. Last evaluated: 2026-05-01. Review status: criteria provided, single submitter. Criteria: CeGaT Center For Human Genetics Tuebingen Variant Classification Criteria Version 2. Collection method: clinical testing. Allele origin: germline. Affected: yes. Observed: 2 variant alleles.
Comment: TNS3: BS2

Labcorp Genetics (formerly Invitae), Labcorp
Classification: Benign. Last evaluated: 2019-12-31. Review status: criteria provided, single submitter. Criteria: Invitae Variant Classification Sherloc (09022015). Collection method: clinical testing. Allele origin: germline.